The following is an entry in ClinVar:

ClinVar aggregate classification (germline): Benign. Review status: criteria provided, multiple submitters, no conflicts (2 of 4 stars). 5 submissions from 5 submitters: Benign (4). 1 of the submissions does not count toward it. Last evaluated 2026-01-26.

Conditions:
EEF2-related disorder. Also called: EEF2-related condition.

Allele frequency attached by ClinVar (database versions not stated): ExAC 0.01146; gnomAD 0.03303 and 0.03541; TOPMed 0.03690; 1000 Genomes Project 30x 0.03935; gnomAD exomes 0.00870; 1000 Genomes Project 0.03714; ESP Exome Variant Server 0.03645.
gnomAD v4.1: 10,218 of 1,613,532 alleles (0.63%); highest among the groups gnomAD compares: African/African-American, 12%; 502 homozygotes.

Submissions (5):

Labcorp Genetics (formerly Invitae), Labcorp
Classification: Benign. Last evaluated: 2026-01-26. Review status: criteria provided, single submitter. Criteria: Invitae Variant Classification Sherloc (09022015). Collection method: clinical testing. Allele origin: germline.

Athena Diagnostics
Classification: Benign. Last evaluated: 2024-02-01. Review status: criteria provided, single submitter. Criteria: Athena Diagnostics Criteria. Collection method: clinical testing. Allele origin: unknown.

GeneDx
Classification: Benign. Last evaluated: 2021-05-04. Review status: criteria provided, single submitter. Criteria: GeneDx Variant Classification Process June 2021. Collection method: clinical testing. Allele origin: germline. Affected: yes.

Breakthrough Genomics
Classification: Benign. Review status: criteria provided, single submitter. Criteria: ACMG Guidelines, 2015. Collection method: not provided. Allele origin: germline. Inheritance: Autosomal dominant inheritance. Affected: yes.

PreventionGenetics, part of Exact Sciences
Classification: Benign for EEF2-related condition. Last evaluated: 2019-11-26. Review status: no assertion criteria provided. Collection method: clinical testing. Allele origin: germline. Not counted in ClinVar's aggregate classification.
Comment: This variant is classified as benign based on ACMG/AMP sequence variant interpretation guidelines (Richards et al. 2015 PMID: 25741868, with internal and published modifications).

NM_001961.4(EEF2):c.567C>T (p.Ile189=)

Gene: EEF2 (eukaryotic translation elongation factor 2; minus strand). Cytogenetic location: 19p13.3.
Variant type: single nucleotide variant.
Coding change: c.567C>T on transcript NM_001961.4 (MANE Select); coding-DNA position 567, C replaced by T.
Protein change: p.Ile189=; no amino-acid change (isoleucine 189 retained).
Molecular consequence: synonymous variant.
Genome position (GRCh38, 1-based): chr19:3,982,852, G>A on the plus strand (C>T on the coding strand, the complement: EEF2 is on the minus strand). VCF-style: chr19-3982852-G-A. GRCh37 (hg19) VCF-style: chr19-3982850-G-A.
Identifiers: ClinVar variation 995092 (VCV000995092.11), dbSNP rs34017760, ClinGen allele CA9089375.